The following is an entry in ClinVar:

NM_000179.3(MSH6):c.1546A>G (p.Ile516Val)

Gene: MSH6 (mutS homolog 6; plus strand). Cytogenetic location: 2p16.3.
Variant type: single nucleotide variant.
Coding change: c.1546A>G on transcript NM_000179.3 (MANE Select); coding-DNA position 1546, A replaced by G.
Protein change: p.Ile516Val; replaces isoleucine 516 with valine.
Molecular consequence: missense variant.
Genome position (GRCh38, 1-based): chr2:47,799,529, A>G. VCF-style: chr2-47799529-A-G. GRCh37 (hg19) VCF-style: chr2-48026668-A-G.
Other names: c.1156A>G, p.Ile386Val (NM_001281492.2); c.640A>G, p.Ile214Val (NM_001281493.2, NM_001281494.2); short protein forms I386V, I516V, I214V.
Identifiers: ClinVar variation 854278 (VCV000854278.12), dbSNP rs1669343512, ClinGen allele CA346746622.
Genomic context (GRCh38, chr2:47,799,529, plus strand): 5'-TGTAGAAAGATGGCACATATATCCAAGTATGATAGAGTGGTGAGGAGGGAGATCTGTAGG[A>G]TCATTACCAAGGGTACACAGACTTACAGTGTGCTGGAAGGTGATCCCTCTGAGAACTACA-3'
Protein context (NP_000170.1, residues 506-526): DRVVRREICR[Ile516Val]ITKGTQTYSV

ClinVar aggregate classification (germline): Conflicting classifications of pathogenicity. Review status: criteria provided, conflicting classifications (1 of 4 stars). 2 submissions from 2 submitters: Uncertain significance (1); Likely benign (1). Last evaluated 2021-02-05.

Conditions:
Hereditary cancer-predisposing syndrome. Also called: Neoplastic Syndromes, Hereditary; Hereditary Cancer Syndrome; Tumor predisposition; Hereditary neoplastic syndrome. Identifiers: Orphanet 140162, MedGen C0027672, MeSH D009386, MONDO:0015356.
Hereditary nonpolyposis colorectal neoplasms. Identifiers: MedGen C0009405, MeSH D003123.

Submissions (2):

Ambry Genetics
Classification: Likely benign for Hereditary cancer-predisposing syndrome. Last evaluated: 2021-02-05. Review status: criteria provided, single submitter. Criteria: Ambry Variant Classification Scheme 2023. Collection method: clinical testing. Allele origin: germline.

Labcorp Genetics (formerly Invitae), Labcorp
Classification: Uncertain significance for Hereditary nonpolyposis colorectal neoplasms. Last evaluated: 2020-09-17. Review status: criteria provided, single submitter. Criteria: Invitae Variant Classification Sherloc (09022015). Collection method: clinical testing. Allele origin: germline.
Comment: In summary, the available evidence is currently insufficient to determine the role of this variant in disease. Therefore, it has been classified as a Variant of Uncertain Significance. Algorithms developed to predict the effect of missense changes on protein structure and function output the following: SIFT: "Tolerated"; PolyPhen-2: "Benign"; Align-GVGD: "Class C0". The valine amino acid residue is found in multiple mammalian species, suggesting that this missense change does not adversely affect protein function. These predictions have not been confirmed by published functional studies and their clinical significance is uncertain. This variant has not been reported in the literature in individuals with MSH6-related conditions. This variant is not present in population databases (ExAC no frequency). This sequence change replaces isoleucine with valine at codon 516 of the MSH6 protein (p.Ile516Val). The isoleucine residue is moderately conserved and there is a small physicochemical difference between isoleucine and valine.